The following is an entry in ClinVar:

NM_000361.3(THBD):c.388G>T (p.Ala130Ser)

Gene: THBD (thrombomodulin; minus strand). Cytogenetic location: 20p11.21.
Variant type: single nucleotide variant.
Coding change: c.388G>T on transcript NM_000361.3 (MANE Select); coding-DNA position 388, G replaced by T.
Protein change: p.Ala130Ser; replaces alanine 130 with serine.
Molecular consequence: missense variant.
Genome position (GRCh38, 1-based): chr20:23,049,117, C>A on the plus strand (G>T on the coding strand, the complement: THBD is on the minus strand). VCF-style: chr20-23049117-C-A. GRCh37 (hg19) VCF-style: chr20-23029754-C-A.
Other names: short protein forms A130S.
Identifiers: ClinVar variation 3649496 (VCV003649496.2).

ClinVar aggregate classification (germline): Uncertain significance (1 of 4 stars; one submission).

Submission:

Labcorp Genetics (formerly Invitae), Labcorp
Classification: Uncertain significance. Last evaluated: 2024-04-16. Review status: criteria provided, single submitter. Criteria: Invitae Variant Classification Sherloc (09022015). Collection method: clinical testing. Allele origin: germline.
Comment: This sequence change replaces alanine, which is neutral and non-polar, with serine, which is neutral and polar, at codon 130 of the THBD protein (p.Ala130Ser). This variant is not present in population databases (gnomAD no frequency). This variant has not been reported in the literature in individuals affected with THBD-related conditions. Advanced modeling of protein sequence and biophysical properties (such as structural, functional, and spatial information, amino acid conservation, physicochemical variation, residue mobility, and thermodynamic stability) performed at Invitae indicates that this missense variant is not expected to disrupt THBD protein function with a negative predictive value of 80%. In summary, the available evidence is currently insufficient to determine the role of this variant in disease. Therefore, it has been classified as a Variant of Uncertain Significance.